The following is an entry in ClinVar:

NM_006231.4(POLE):c.4771T>G (p.Trp1591Gly)

Gene: POLE (DNA polymerase epsilon, catalytic subunit; minus strand). Cytogenetic location: 12q24.33.
Variant type: single nucleotide variant.
Coding change: c.4771T>G on transcript NM_006231.4 (MANE Select); coding-DNA position 4771, T replaced by G.
Protein change: p.Trp1591Gly; replaces tryptophan 1591 with glycine.
Molecular consequence: missense variant.
Genome position (GRCh38, 1-based): chr12:132,642,687, A>C on the plus strand (T>G on the coding strand, the complement: POLE is on the minus strand). VCF-style: chr12-132642687-A-C. GRCh37 (hg19) VCF-style: chr12-133219273-A-C.
Other names: short protein forms W1591G.
Identifiers: ClinVar variation 5027126 (VCV005027126.1).

ClinVar aggregate classification (germline): Uncertain significance (1 of 4 stars; one submission).

Conditions:
Hereditary cancer-predisposing syndrome. Also called: Neoplastic Syndromes, Hereditary; Tumor predisposition; Hereditary neoplastic syndrome; Hereditary Cancer Syndrome. Identifiers: Orphanet 140162, MedGen C0027672, MeSH D009386, MONDO:0015356.

Submission:

Ambry Genetics
Classification: Uncertain significance for Hereditary cancer-predisposing syndrome. Last evaluated: 2026-08-26. Review status: criteria provided, single submitter. Criteria: Ambry Variant Classification Scheme 2023. Collection method: clinical testing. Allele origin: germline.
Comment: The p.W1591G variant (also known as c.4771T>G), located in coding exon 37 of the POLE gene, results from a T to G substitution at nucleotide position 4771. The tryptophan at codon 1591 is replaced by glycine, an amino acid with highly dissimilar properties. This amino acid position is conserved. In addition, the in silico prediction for this alteration is inconclusive. Based on the available evidence, the clinical significance of this variant remains unclear.